The following is an entry in ClinVar:

NM_138694.4(PKHD1):c.7205G>A (p.Gly2402Asp)

Gene: PKHD1 (PKHD1 ciliary IPT domain containing fibrocystin/polyductin; minus strand). Cytogenetic location: 6p12.2.
Variant type: single nucleotide variant.
Coding change: c.7205G>A on transcript NM_138694.4 (MANE Select); coding-DNA position 7205, G replaced by A.
Protein change: p.Gly2402Asp; replaces glycine 2402 with aspartic acid.
Molecular consequence: missense variant.
Genome position (GRCh38, 1-based): chr6:51,885,877, C>T on the plus strand (G>A on the coding strand, the complement: PKHD1 is on the minus strand). VCF-style: chr6-51885877-C-T. GRCh37 (hg19) VCF-style: chr6-51750675-C-T.
Other names: c.7205G>A, p.Gly2402Asp (NM_170724.3); short protein forms G2402D.
Identifiers: ClinVar variation 2506099 (VCV002506099.7), dbSNP rs934488030, ClinGen allele CA138899562.
Genomic context (GRCh38, chr6:51,885,877, plus strand): 5'-GTTTTAATTTTAAAAACAACAACAATAACAACAACAACAAAAAAGCTTACCTGGGCACCA[C>T]CTGCACTTTCCCAAACTGTGAAGCTCTGGAACAGAGTGGTGCCAGTGACATTATCCCAAG-3'
Protein context (NP_619639.3, residues 2392-2412): FQSFTVWESA[Gly2402Asp]GAQIFRSSNL

ClinVar aggregate classification (germline): Conflicting classifications of pathogenicity. Review status: criteria provided, conflicting classifications (1 of 4 stars). 3 submissions from 3 submitters: Pathogenic (1); Likely pathogenic (1); Uncertain significance (1). Last evaluated 2025-12-01.

Conditions:
Autosomal recessive polycystic kidney disease (ARPKD). Also called: AR polycystic kidney disease. Identifiers: Orphanet 731, Orphanet 8378, MedGen C0085548, MeSH D017044, MONDO:0009889.

Allele frequency attached by ClinVar (database versions not stated): gnomAD exomes below 0.00001; TOPMed 0.00002.
gnomAD v4.1: 3 of 1,607,308 alleles (0.00019%); highest among the groups gnomAD compares: East Asian, 0.0022%; no homozygotes.

Submissions (3):

Natera, Inc.
Classification: Likely pathogenic for Autosomal recessive polycystic kidney disease. Last evaluated: 2025-12-01. Review status: criteria provided, single submitter. Criteria: Natera Variant Classification Schema (03/2026). Collection method: clinical testing. Allele origin: germline.
Comment: The c.7205G>A variant in PKHD1 is a missense variant predicted to cause substitution of glycine to aspartic acid at amino acid 2402. This variant is rare in the general population with a frequency below the threshold expected for the associated phenotype(s). This variant has been observed in one or more individuals affected with the associated recessive disease, as either homozygous or compound heterozygous with a second variant (PMID: 34977057). Additionally, this variant has been observed to segregate in affected family members (PMID: 34977057). Computational prediction algorithms indicate this variant is likely to affect gene or protein function. Given the available evidence, this variant is classified as Likely Pathogenic.

Women's Health and Genetics/Laboratory Corporation of America, LabCorp
Classification: Uncertain significance. Last evaluated: 2025-06-11. Review status: criteria provided, single submitter. Criteria: LabCorp Variant Classification Summary - May 2015. Collection method: clinical testing. Allele origin: germline.
Comment: Variant summary: PKHD1 c.7205G>A (p.Gly2402Asp) results in a non-conservative amino acid change located in the Right handed beta helix domain (IPR039448) of the encoded protein sequence. Algorithms developed to predict the effect of missense changes on protein structure and function all suggest that this variant is likely to be disruptive. The variant allele was found at a frequency of 1.6e-05 in 249276 control chromosomes.c.7205G>A has been reported in the literature in two compound individuals in a family affected with Polycystic Kidney And Hepatic Disease (Xu_2021). These data indicate that the variant may be associated with disease. The following publication has been ascertained in the context of this evaluation (PMID: 34977057). ClinVar contains an entry for this variant (Variation ID: 2506099). Based on the evidence outlined above, the variant was classified as VUS-possibly pathogenic.

Labcorp Genetics (formerly Invitae), Labcorp
Classification: Pathogenic for Autosomal recessive polycystic kidney disease. Last evaluated: 2023-10-18. Review status: criteria provided, single submitter. Criteria: Invitae Variant Classification Sherloc (09022015). Collection method: clinical testing. Allele origin: germline.
Comment: This sequence change replaces glycine, which is neutral and non-polar, with aspartic acid, which is acidic and polar, at codon 2402 of the PKHD1 protein (p.Gly2402Asp). This variant is present in population databases (no rsID available, gnomAD 0.02%). This missense change has been observed in individual(s) with polycystic kidney disease (PMID: 34977057). In at least one individual the data is consistent with being in trans (on the opposite chromosome) from a pathogenic variant. It has also been observed to segregate with disease in related individuals. ClinVar contains an entry for this variant (Variation ID: 2506099). Advanced modeling of protein sequence and biophysical properties (such as structural, functional, and spatial information, amino acid conservation, physicochemical variation, residue mobility, and thermodynamic stability) performed at Invitae indicates that this missense variant is expected to disrupt PKHD1 protein function. For these reasons, this variant has been classified as Pathogenic.

Literature cited by the submitters: PubMed 34977057 (cited by 3 submitters).